The following is an entry in ClinVar:

ClinVar aggregate classification (germline): Conflicting classifications of pathogenicity. Review status: criteria provided, conflicting classifications (1 of 4 stars). 4 submissions from 4 submitters: Uncertain significance (2); Likely benign (1). 1 of the submissions does not count toward it. Last evaluated 2024-09-26.

Conditions:
Duchenne muscular dystrophy (DMD). Also called: Duchenne Muscular Dystrophy (DMD); MUSCULAR DYSTROPHY, PSEUDOHYPERTROPHIC PROGRESSIVE, DUCHENNE TYPE. Identifiers: Orphanet 98896, MedGen C0013264, MONDO:0010679, OMIM 310200.
Becker muscular dystrophy (BMD). Also called: MUSCULAR DYSTROPHY, PSEUDOHYPERTROPHIC PROGRESSIVE, BECKER TYPE; Becker Muscular Dystrophy (BMD). Identifiers: Orphanet 98895, MedGen C0917713, MONDO:0010311, OMIM 300376.
Dilated cardiomyopathy 3B (CMD3B). Also called: CMD3B: DMD-Related Dilated Cardiomyopathy; CARDIOMYOPATHY, DILATED, X-LINKED; DMD-Associated Dilated Cardiomyopathy. Identifiers: Orphanet 154, MedGen C3668940, MONDO:0010542, OMIM 302045.
Dystrophin deficiency.
Cardiomyopathy (CMYO). Also called: Cardiomyopathies. Identifiers: Orphanet 167848, MedGen C0878544, MONDO:0004994, HP:0001638. Inheritance: Various modes of inheritance.
Cardiovascular phenotype. Identifiers: MedGen CN230736.

gnomAD v4.1: 2 of 1,211,716 alleles (0.00017%); highest among the groups gnomAD compares: Non-Finnish European, 0.00022%; no homozygotes.

Submissions (4):

Labcorp Genetics (formerly Invitae), Labcorp
Classification: Uncertain significance for Duchenne muscular dystrophy. Last evaluated: 2024-09-26. Review status: criteria provided, single submitter. Criteria: Invitae Variant Classification Sherloc (09022015). Collection method: clinical testing. Allele origin: germline.
Comment: This sequence change replaces aspartic acid, which is acidic and polar, with glutamic acid, which is acidic and polar, at codon 1318 of the DMD protein (p.Asp1318Glu). This variant is not present in population databases (gnomAD no frequency). This variant has not been reported in the literature in individuals affected with DMD-related conditions. ClinVar contains an entry for this variant (Variation ID: 857865). Invitae Evidence Modeling of protein sequence and biophysical properties (such as structural, functional, and spatial information, amino acid conservation, physicochemical variation, residue mobility, and thermodynamic stability) indicates that this missense variant is not expected to disrupt DMD protein function with a negative predictive value of 95%. In summary, the available evidence is currently insufficient to determine the role of this variant in disease. Therefore, it has been classified as a Variant of Uncertain Significance.

Ambry Genetics
Classification: Likely benign for Cardiovascular phenotype. Last evaluated: 2023-12-09. Review status: criteria provided, single submitter. Criteria: Ambry Variant Classification Scheme 2023. Collection method: clinical testing. Allele origin: germline.

Fulgent Genetics
Classification: Uncertain significance for Becker muscular dystrophy; Dilated cardiomyopathy 3B; Duchenne muscular dystrophy. Last evaluated: 2021-10-11. Review status: criteria provided, single submitter. Criteria: ACMG Guidelines, 2015. Collection method: clinical testing. Allele origin: unknown.

Natera, Inc.
Classification: Uncertain significance for Becker muscular dystrophy; Cardiomyopathy; Duchenne muscular dystrophy; Dystrophin deficiency. Last evaluated: 2018-08-28. Review status: no assertion criteria provided. Collection method: clinical testing. Allele origin: germline. Not counted in ClinVar's aggregate classification.

NM_004006.3(DMD):c.3954T>A (p.Asp1318Glu)

Gene: DMD (dystrophin; minus strand). Cytogenetic location: Xp21.1.
Variant type: single nucleotide variant.
Coding change: c.3954T>A on transcript NM_004006.3 (MANE Select); coding-DNA position 3954, T replaced by A.
Protein change: p.Asp1318Glu; replaces aspartic acid 1318 with glutamic acid.
Molecular consequence: missense variant.
Genome position (GRCh38, 1-based): chrX:32,438,358, A>T on the plus strand (T>A on the coding strand, the complement: DMD is on the minus strand). VCF-style: chrX-32438358-A-T. GRCh37 (hg19) VCF-style: chrX-32456475-A-T.
Other names: c.3930T>A, p.Asp1310Glu (NM_000109.4); c.3942T>A, p.Asp1314Glu (NM_004009.3); c.3585T>A, p.Asp1195Glu (NM_004010.3); short protein forms D1318E, D1195E, D1310E, D1314E.
Identifiers: ClinVar variation 857865 (VCV000857865.11), dbSNP rs2098269308, ClinGen allele CA412669450.